The following is an entry in ClinVar:

ClinVar aggregate classification (germline): Pathogenic (1 of 4 stars; one submission).

Conditions:
Propionic acidemia (PROP). Also called: GLYCINEMIA, KETOTIC; HYPERGLYCINEMIA WITH KETOACIDOSIS AND LEUKOPENIA; KETOTIC HYPERGLYCINEMIA. Identifiers: Orphanet 35, MedGen C0268579, MONDO:0011628, OMIM 606054, HP:0003571.

Submission:

Myriad Genetics, Inc.
Classification: Pathogenic for Propionic acidemia. Last evaluated: 2024-05-01. Review status: criteria provided, single submitter. Criteria: Myriad Autosomal Dominant, Autosomal Recessive and X-Linked Classification Criteria (2023). Collection method: clinical testing. Allele origin: unknown.
Comment: NM_000532.4(PCCB):c.574_575delCA(Q192Dfs*37) is expected to be pathogenic in the context of PCCB-related propionic acidemia. This variant is predicted to lead to an abnormal or absent protein product due to the creation of a premature termination codon in PCCB, a gene where loss-of-function variants are known to be pathogenic. Please note: this variant was assessed in the context of healthy population screening.

NM_000532.5(PCCB):c.574_575del (p.Gln192fs)

Gene: PCCB (propionyl-CoA carboxylase subunit beta; plus strand). Cytogenetic location: 3q22.3.
Variant type: Deletion.
Coding change: c.574_575del on transcript NM_000532.5 (MANE Select); coding-DNA positions 574 to 575, 2 bases deleted (CA; older notation c.574_575delCA).
Protein change: p.Gln192fs; shifts the reading frame from glutamine 192.
Molecular consequence: frameshift variant.
Genome position (GRCh38, 1-based): chr3:136,283,867-136,283,868, CA deleted. VCF-style (leftmost placement, unchanged base first): chr3-136283866-TCA-T. GRCh37 (hg19) VCF-style: chr3-136002708-TCA-T.
Other names: c.634_635del, p.Gln212fs (NM_001178014.2); short protein forms Q192fs, Q212fs.
Identifiers: ClinVar variation 5012978 (VCV005012978.1).